The following is an entry in ClinVar:

NM_000548.5(TSC2):c.5274C>T (p.Ala1758=)

Gene: TSC2 (TSC complex subunit 2; plus strand). Cytogenetic location: 16p13.3.
Variant type: single nucleotide variant.
Coding change: c.5274C>T on transcript NM_000548.5 (MANE Select); coding-DNA position 5274, C replaced by T.
Protein change: p.Ala1758=; no amino-acid change (alanine 1758 retained).
Molecular consequence: synonymous variant.
Genome position (GRCh38, 1-based): chr16:2,088,460, C>T. VCF-style: chr16-2088460-C-T. GRCh37 (hg19) VCF-style: chr16-2138461-C-T.
Other names: c.5073C>T, p.Ala1691= (NM_001077183.3); c.5205C>T, p.Ala1735= (NM_001114382.3); c.4965C>T, p.Ala1655= (NM_001318827.2); c.4929C>T, p.Ala1643= (NM_001318829.2); c.4542C>T, p.Ala1514= (NM_001318831.2); c.5106C>T, p.Ala1702= (NM_001318832.2); c.5076C>T, p.Ala1692= (NM_001363528.2); c.5142C>T, p.Ala1714= (NM_001370404.1); and 2 more.
Identifiers: ClinVar variation 238081 (VCV000238081.24), dbSNP rs752945858, ClinGen allele CA054919.

ClinVar aggregate classification (germline): Benign/Likely benign. Review status: criteria provided, multiple submitters, no conflicts (2 of 4 stars). 9 submissions from 9 submitters: Benign (3); Likely benign (6). Last evaluated 2025-12-30.

Conditions:
Hereditary cancer-predisposing syndrome. Also called: Neoplastic Syndromes, Hereditary; Hereditary Cancer Syndrome; Tumor predisposition; Hereditary neoplastic syndrome. Identifiers: Orphanet 140162, MedGen C0027672, MeSH D009386, MONDO:0015356.
Tuberous sclerosis syndrome (TSC). Also called: Tuberous Sclerosis Complex; Tuberous sclerosis. Identifiers: Orphanet 805, MedGen C0041341, MONDO:0001734.
Tuberous sclerosis 2 (TSC2). Identifiers: Orphanet 805, MedGen C1860707, MONDO:0013199, OMIM 613254.

Allele frequency attached by ClinVar (database versions not stated): ExAC 0.00002; gnomAD 0.00002; gnomAD exomes 0.00003.
gnomAD v4.1: 33 of 1,612,722 alleles (0.002%); highest among the groups gnomAD compares: Admixed American, 0.005%; no homozygotes.

Submissions (9):

Labcorp Genetics (formerly Invitae), Labcorp
Classification: Benign for Tuberous sclerosis 2. Last evaluated: 2025-12-30. Review status: criteria provided, single submitter. Criteria: Invitae Variant Classification Sherloc (09022015). Collection method: clinical testing. Allele origin: germline.

Myriad Genetics, Inc.
Classification: Benign for Tuberous sclerosis 2. Last evaluated: 2025-06-06. Review status: criteria provided, single submitter. Criteria: Myriad Autosomal Dominant, Autosomal Recessive and X-Linked Classification Criteria (2023). Collection method: clinical testing. Allele origin: unknown.
Comment: This variant is considered benign. This variant is a silent/synonymous amino acid change and it is not expected to impact splicing.

All of Us Research Program, National Institutes of Health
Classification: Likely benign for Tuberous sclerosis syndrome. Last evaluated: 2024-08-13. Review status: criteria provided, single submitter. Criteria: ACMG Guidelines, 2015. Collection method: clinical testing. Allele origin: germline. Inheritance: Autosomal dominant inheritance. Observed: 6 variant alleles, 6 heterozygotes.
Comment: This study involves interpretation of variants in research participants for the purpose of population health screening. Participant phenotype was not available at the time of variant classification. Additional details can be found in publication PMID: 35346344, PMCID: PMC8962531

Blueprint Genetics
Classification: Likely benign. Last evaluated: 2023-03-03. Review status: criteria provided, single submitter. Criteria: ACMG Guidelines, 2015. Collection method: clinical testing. Allele origin: germline.

Color Diagnostics, LLC DBA Color Health
Classification: Likely benign for Tuberous sclerosis syndrome. Last evaluated: 2022-11-06. Review status: criteria provided, single submitter. Criteria: ACMG Guidelines, 2015. Collection method: clinical testing. Allele origin: germline.

Genome-Nilou Lab
Classification: Benign for Tuberous sclerosis 2. Last evaluated: 2021-11-07. Review status: criteria provided, single submitter. Criteria: ACMG Guidelines, 2015. Collection method: clinical testing. Allele origin: germline. Affected: no.

GeneDx
Classification: Likely benign. Last evaluated: 2021-03-17. Review status: criteria provided, single submitter. Criteria: GeneDx Variant Classification Process June 2021. Collection method: clinical testing. Allele origin: germline. Affected: yes.

Sema4
Classification: Likely benign for Hereditary cancer-predisposing syndrome. Last evaluated: 2021-03-05. Review status: criteria provided, single submitter. Criteria: Sema4 Curation Guidelines. Collection method: curation. Allele origin: germline.

Ambry Genetics
Classification: Likely benign for Hereditary cancer-predisposing syndrome. Last evaluated: 2015-11-02. Review status: criteria provided, single submitter. Criteria: Ambry Variant Classification Scheme 2023. Collection method: clinical testing. Allele origin: germline.